The following is an entry in ClinVar:

NM_001374736.1(DST):c.877-5C>G

Gene: DST (dystonin; minus strand). Cytogenetic location: 6p12.1.
Variant type: single nucleotide variant.
Coding change: c.877-5C>G on transcript NM_001374736.1 (MANE Select); 5 bases into the intron before coding-DNA position 877, C replaced by G.
Molecular consequence: intron variant.
Genome position (GRCh38, 1-based): chr6:56,701,970, G>C on the plus strand (C>G on the coding strand, the complement: DST is on the minus strand). VCF-style: chr6-56701970-G-C. GRCh37 (hg19) VCF-style: chr6-56566768-G-C.
Other names: c.778-5C>G (NM_001144769.5); c.877-5C>G (NM_001374722.1); c.904-5C>G (NM_001374734.1); c.364-5C>G (NM_001144770.2); c.244-5C>G (NM_001374730.1, NM_001386100.1, NM_183380.4 and 1 more transcripts).
Identifiers: ClinVar variation 1760615 (VCV001760615.2), dbSNP rs368225217, ClinGen allele CA3871838.

ClinVar aggregate classification (germline): Uncertain significance (1 of 4 stars; one submission).

Conditions:
Inborn genetic diseases. Identifiers: MedGen C0950123, MeSH D030342.

Allele frequency attached by ClinVar (database versions not stated): gnomAD 0.00001; gnomAD exomes 0.00001; ExAC 0.00003; TOPMed 0.00003; ESP Exome Variant Server 0.00008.
gnomAD v4.1: 19 of 1,597,118 alleles (0.0012%); highest among the groups gnomAD compares: Non-Finnish European, 0.000086%; no homozygotes.

Submission:

Ambry Genetics
Classification: Uncertain significance for Inborn genetic diseases. Last evaluated: 2020-03-05. Review status: criteria provided, single submitter. Criteria: Ambry Variant Classification Scheme 2023. Collection method: clinical testing. Allele origin: germline.
Comment: The c.778-5C>G intronic variant results from a C to G substitution 5 nucleotides upstream from coding exon 7 in the DST gene. This nucleotide position is not well conserved in available vertebrate species. Using two different splice site prediction tools, this alteration is predicted by ESEfinder to weaken the efficiency of the native splice acceptor site, but is not predicted to have a deleterious effect on this splice acceptor/donor site by BDGP; however, direct evidence is unavailable. Since supporting evidence is limited at this time, the clinical significance of this alteration remains unclear.